The following is an entry in ClinVar:

ClinVar aggregate classification (germline): Uncertain significance (1 of 4 stars; one submission).

Conditions:
Dyskeratosis congenita. Identifiers: Orphanet 1775, MedGen C0265965, MONDO:0015780.

Submission:

Ambry Genetics
Classification: Uncertain significance for Dyskeratosis congenita. Last evaluated: 2022-10-09. Review status: criteria provided, single submitter. Criteria: Ambry Variant Classification Scheme 2023. Collection method: clinical testing. Allele origin: germline.
Comment: The p.L175P variant (also known as c.524T>C), located in coding exon 2 of the TERT gene, results from a T to C substitution at nucleotide position 524. The leucine at codon 175 is replaced by proline, an amino acid with similar properties. This amino acid position is conserved. In addition, this alteration is predicted to be deleterious by in silico analysis. Since supporting evidence is limited at this time, the clinical significance of this alteration remains unclear.

NM_198253.3(TERT):c.524T>C (p.Leu175Pro)

Gene: TERT (telomerase reverse transcriptase; minus strand). Cytogenetic location: 5p15.33.
Variant type: single nucleotide variant.
Coding change: c.524T>C on transcript NM_198253.3 (MANE Select); coding-DNA position 524, T replaced by C.
Protein change: p.Leu175Pro; replaces leucine 175 with proline.
Molecular consequence: missense variant. On other transcripts: non-coding transcript variant (2).
Genome position (GRCh38, 1-based): chr5:1,294,362, A>G on the plus strand (T>C on the coding strand, the complement: TERT is on the minus strand). VCF-style: chr5-1294362-A-G. GRCh37 (hg19) VCF-style: chr5-1294477-A-G.
Other names: c.524T>C, p.Leu175Pro (NM_001193376.3, NM_003219.1); short protein forms L175P.
Identifiers: ClinVar variation 1746356 (VCV001746356.2), dbSNP rs2478426318, ClinGen allele CA359057756.
Genomic context (GRCh38, chr5:1,294,362, plus strand): 5'-CTTCGGGGTCCACTAGCGTGTGGCGGGGGCCGGGCCTGAGTGGCAGCGCCGAGCTGGTAC[A>G]GCGGCGGCCCGCACACCTGGTAGGCGCAGCTGGGAGCCACCAGCACAAAGAGCGCGCAGC-3'
Protein context (NP_937983.2, residues 165-185): SCAYQVCGPP[Leu175Pro]YQLGAATQAR